The following is an entry in ClinVar:

ClinVar aggregate classification (germline): Uncertain significance (1 of 4 stars; one submission).

Conditions:
BAP1-related tumor predisposition syndrome (TPDS1). Also called: TUMOR PREDISPOSITION SYNDROME 1; BAP1 tumor predisposition syndrome; Tumor susceptibility linked to germline BAP1 mutations; COMMON Syndrome. Identifiers: Orphanet 289539, MedGen C3280492, MONDO:0013692, OMIM 614327.

Allele frequency attached by ClinVar (database versions not stated): gnomAD exomes below 0.00001; ExAC 0.00001.
gnomAD v4.1: 1 of 1,614,158 alleles (0.000062%); highest among the groups gnomAD compares: South Asian, 0.0011%; no homozygotes.

Submission:

Labcorp Genetics (formerly Invitae), Labcorp
Classification: Uncertain significance for BAP1-related tumor predisposition syndrome. Last evaluated: 2022-06-26. Review status: criteria provided, single submitter. Criteria: Invitae Variant Classification Sherloc (09022015). Collection method: clinical testing. Allele origin: germline.
Comment: In summary, the available evidence is currently insufficient to determine the role of this variant in disease. Therefore, it has been classified as a Variant of Uncertain Significance. Algorithms developed to predict the effect of sequence changes on RNA splicing suggest that this variant may create or strengthen a splice site. This variant has not been reported in the literature in individuals affected with BAP1-related conditions. This variant is present in population databases (rs757559034, gnomAD 0.003%). This sequence change affects codon 616 of the BAP1 mRNA. It is a 'silent' change, meaning that it does not change the encoded amino acid sequence of the BAP1 protein.

NM_004656.4(BAP1):c.1848G>A (p.Val616=)

Gene: BAP1 (BRCA1 associated deubiquitinase 1; minus strand). Cytogenetic location: 3p21.1.
Variant type: single nucleotide variant.
Coding change: c.1848G>A on transcript NM_004656.4 (MANE Select); coding-DNA position 1848, G replaced by A.
Protein change: p.Val616=; no amino-acid change (valine 616 retained).
Molecular consequence: synonymous variant.
Genome position (GRCh38, 1-based): chr3:52,403,180, C>T on the plus strand (G>A on the coding strand, the complement: BAP1 is on the minus strand). VCF-style: chr3-52403180-C-T. GRCh37 (hg19) VCF-style: chr3-52437196-C-T.
Other names: c.1794G>A, p.Val598= (NM_001410772.1).
Identifiers: ClinVar variation 2010737 (VCV002010737.4), dbSNP rs757559034, ClinGen allele CA2436701.